The following is an entry in ClinVar:

ClinVar aggregate classification (germline): Conflicting classifications of pathogenicity. Review status: criteria provided, conflicting classifications (1 of 4 stars). 5 submissions from 5 submitters: Uncertain significance (2); Likely benign (3). Last evaluated 2026-01-28.

Conditions:
PCARE-related disorder. Also called: PCARE-related condition.

Allele frequency attached by ClinVar (database versions not stated): ExAC 0.00017; 1000 Genomes Project 0.00040; 1000 Genomes Project 30x 0.00047; ESP Exome Variant Server 0.00064; gnomAD 0.00072 and 0.00082; TOPMed 0.00079.
gnomAD v4.1: 191 of 1,614,228 alleles (0.012%); highest among the groups gnomAD compares: African/African-American, 0.24%; no homozygotes.

Submissions (5):

Labcorp Genetics (formerly Invitae), Labcorp
Classification: Likely benign. Last evaluated: 2026-01-28. Review status: criteria provided, single submitter. Criteria: Invitae Variant Classification Sherloc (09022015). Collection method: clinical testing. Allele origin: germline.

PreventionGenetics, part of Exact Sciences
Classification: Likely benign for PCARE-related condition. Last evaluated: 2025-02-13. Review status: criteria provided, single submitter. Criteria: ACMG Guidelines, 2015. Collection method: clinical testing. Allele origin: germline.
Comment: This variant is classified as likely benign based on ACMG/AMP sequence variant interpretation guidelines (Richards et al. 2015 PMID: 25741868, with internal and published modifications).

Blueprint Genetics
Classification: Likely benign. Last evaluated: 2023-08-15. Review status: criteria provided, single submitter. Criteria: ACMG Guidelines, 2015. Collection method: clinical testing. Allele origin: germline.

GeneDx
Classification: Uncertain significance. Last evaluated: 2020-11-10. Review status: criteria provided, single submitter. Criteria: GeneDx Variant Classification Process June 2021. Collection method: clinical testing. Allele origin: germline. Affected: yes.
Comment: Has not been previously published as pathogenic or benign to our knowledge; In silico analysis, which includes protein predictors and evolutionary conservation, supports that this variant does not alter protein structure/function

Eurofins Ntd Llc (ga)
Classification: Uncertain significance. Last evaluated: 2014-06-06. Review status: criteria provided, single submitter. Criteria: EGL Classification Definitions 2015. Collection method: clinical testing. Allele origin: germline. Observed: 1 variant allele, 1 heterozygote.

NM_001029883.3(PCARE):c.667C>G (p.Leu223Val)

Gene: PCARE (photoreceptor cilium actin regulator; minus strand). Cytogenetic location: 2p23.2.
Variant type: single nucleotide variant.
Coding change: c.667C>G on transcript NM_001029883.3 (MANE Select); coding-DNA position 667, C replaced by G.
Protein change: p.Leu223Val; replaces leucine 223 with valine.
Molecular consequence: missense variant.
Genome position (GRCh38, 1-based): chr2:29,073,595, G>C on the plus strand (C>G on the coding strand, the complement: PCARE is on the minus strand). VCF-style: chr2-29073595-G-C. GRCh37 (hg19) VCF-style: chr2-29296461-G-C.
Other names: short protein forms L223V.
Identifiers: ClinVar variation 193138 (VCV000193138.18), dbSNP rs372323929, ClinGen allele CA238644.
Genomic context (GRCh38, chr2:29,073,595, plus strand): 5'-GCACTTCTCCATCCTTGGAGATCTCCCCCAACAGCTGGCTGATCTCCTCAAAGCACAGCA[G>C]CAAGAAGCTGACCATGGGCTGCAGCAGCTCCCGGGTCTGGGTGGCCTGATGGATGATGCA-3'
Protein context (NP_001025054.1, residues 213-233): ELLQPMVSFL[Leu223Val]LCFEEISQLL